The following is an entry in ClinVar:

NM_000136.3(FANCC):c.233C>A (p.Pro78His)

Gene: FANCC (FA complementation group C; minus strand). Cytogenetic location: 9q22.32.
Variant type: single nucleotide variant.
Coding change: c.233C>A on transcript NM_000136.3 (MANE Select); coding-DNA position 233, C replaced by A.
Protein change: p.Pro78His; replaces proline 78 with histidine.
Molecular consequence: missense variant.
Genome position (GRCh38, 1-based): chr9:95,247,449, G>T on the plus strand (C>A on the coding strand, the complement: FANCC is on the minus strand). VCF-style: chr9-95247449-G-T. GRCh37 (hg19) VCF-style: chr9-98009731-G-T.
Other names: c.233C>A, p.Pro78His (NM_001243743.2, NM_001243744.2); short protein forms P78H.
Identifiers: ClinVar variation 418955 (VCV000418955.17), dbSNP rs138722298, ClinGen allele CA5137801.

ClinVar aggregate classification (germline): Uncertain significance. Review status: criteria provided, multiple submitters, no conflicts (2 of 4 stars). 7 submissions from 7 submitters: Uncertain significance (6). 1 of the submissions does not count toward it. Last evaluated 2025-01-01.

Conditions:
Hereditary cancer-predisposing syndrome. Also called: Hereditary neoplastic syndrome; Tumor predisposition; Neoplastic Syndromes, Hereditary; Hereditary Cancer Syndrome. Identifiers: Orphanet 140162, MedGen C0027672, MeSH D009386, MONDO:0015356.
Fanconi anemia (FA). Also called: Fanconi's anemia. Identifiers: Orphanet 84, MedGen C0015625, MeSH D005199, MONDO:0019391.
Fanconi anemia complementation group C (FANCC). Also called: FANCONI PANCYTOPENIA, TYPE 3; FACC; Fanconi anemia, group C; FANCC-Related Fanconi Anemia. Identifiers: Orphanet 84, MedGen C3468041, MONDO:0009213, OMIM 227645.

Allele frequency attached by ClinVar (database versions not stated): gnomAD exomes 0.00001; ExAC 0.00002; gnomAD 0.00002 and 0.00003; TOPMed 0.00003; 1000 Genomes Project 30x 0.00031; 1000 Genomes Project 0.00040.
gnomAD v4.1: 13 of 1,612,892 alleles (0.00081%); highest among the groups gnomAD compares: African/African-American, 0.016%; no homozygotes.

Submissions (7):

Labcorp Genetics (formerly Invitae), Labcorp
Classification: Uncertain significance for Fanconi anemia. Last evaluated: 2025-01-01. Review status: criteria provided, single submitter. Criteria: Invitae Variant Classification Sherloc (09022015). Collection method: clinical testing. Allele origin: germline.
Comment: This sequence change replaces proline, which is neutral and non-polar, with histidine, which is basic and polar, at codon 78 of the FANCC protein (p.Pro78His). This variant is present in population databases (rs138722298, gnomAD 0.007%). This variant has not been reported in the literature in individuals affected with FANCC-related conditions. ClinVar contains an entry for this variant (Variation ID: 418955). Invitae Evidence Modeling of protein sequence and biophysical properties (such as structural, functional, and spatial information, amino acid conservation, physicochemical variation, residue mobility, and thermodynamic stability) indicates that this missense variant is expected to disrupt FANCC protein function with a positive predictive value of 80%. In summary, the available evidence is currently insufficient to determine the role of this variant in disease. Therefore, it has been classified as a Variant of Uncertain Significance.

Ambry Genetics
Classification: Uncertain significance for Hereditary cancer-predisposing syndrome. Last evaluated: 2023-02-17. Review status: criteria provided, single submitter. Criteria: Ambry Variant Classification Scheme 2023. Collection method: clinical testing. Allele origin: germline.
Comment: The p.P78H variant (also known as c.233C>A), located in coding exon 2 of the FANCC gene, results from a C to A substitution at nucleotide position 233. The proline at codon 78 is replaced by histidine, an amino acid with similar properties. This amino acid position is well conserved in available vertebrate species. In addition, the in silico prediction for this alteration is inconclusive. Since supporting evidence is limited at this time, the clinical significance of this alteration remains unclear.

Women's Health and Genetics/Laboratory Corporation of America, LabCorp
Classification: Uncertain significance. Last evaluated: 2022-11-24. Review status: criteria provided, single submitter. Criteria: LabCorp Variant Classification Summary - May 2015. Collection method: clinical testing. Allele origin: germline.

Quest Diagnostics Nichols Institute San Juan Capistrano
Classification: Uncertain significance. Last evaluated: 2022-09-28. Review status: criteria provided, single submitter. Criteria: Quest Diagnostics criteria. Collection method: clinical testing. Allele origin: unknown.
Comment: The variant has not been reported in the published literature. The frequency of this variant in the general population, 0.000008 (2/251164 chromosomes), is uninformative in assessment of its pathogenicity. Analysis of this variant using bioinformatics tools for the prediction of the effect of amino acid changes on protein structure and function yielded conflicting predictions that this variant is benign or damaging. Based on the available information, we are unable to determine the clinical significance of this variant.

Fulgent Genetics
Classification: Uncertain significance for Fanconi anemia complementation group C. Last evaluated: 2022-05-11. Review status: criteria provided, single submitter. Criteria: ACMG Guidelines, 2015. Collection method: clinical testing. Allele origin: unknown.

GeneDx
Classification: Uncertain significance. Last evaluated: 2017-06-08. Review status: criteria provided, single submitter. Criteria: GeneDx Variant Classification (06012015). Collection method: clinical testing. Allele origin: germline. Affected: yes.
Comment: This variant is denoted FANCC c.233C>A at the cDNA level, p.Pro78His (P78H) at the protein level, and results in the change of a Proline to a Histidine (CCT>CAT). This variant has not, to our knowledge, been published in the literature as pathogenic or benign. FANCC Pro78His was not observed at a significant allele frequency in large population cohorts (NHLBI Exome Sequencing Project, The 1000 Genomes Consortium 2015, Lek 2016). Since Proline and Histidine differ in polarity, charge, size or other properties, this is considered a non-conservative amino acid substitution. FANCC Pro78His occurs at a position that is conserved across species and is located in the region of interaction with RED (Gordon & Buchwald 2000). In silico analyses predict that this variant is probably damaging to protein structure and function. Based on currently available information, it is unclear whether FANCC Pro78His is pathogenic or benign. We consider it to be a variant of uncertain significance.

Natera, Inc.
Classification: Uncertain significance for Fanconi anemia, group C. Last evaluated: 2018-07-28. Review status: no assertion criteria provided. Collection method: clinical testing. Allele origin: germline. Not counted in ClinVar's aggregate classification.